The following is an entry in ClinVar:

NM_000350.3(ABCA4):c.4610C>T (p.Thr1537Met)

Gene: ABCA4 (ATP binding cassette subfamily A member 4; minus strand). Cytogenetic location: 1p22.1.
Variant type: single nucleotide variant.
Coding change: c.4610C>T on transcript NM_000350.3 (MANE Select); coding-DNA position 4610, C replaced by T.
Protein change: p.Thr1537Met; replaces threonine 1537 with methionine.
Molecular consequence: missense variant.
Genome position (GRCh38, 1-based): chr1:94,024,978, G>A on the plus strand (C>T on the coding strand, the complement: ABCA4 is on the minus strand). VCF-style: chr1-94024978-G-A. GRCh37 (hg19) VCF-style: chr1-94490534-G-A.
Other names: c.4388C>T, p.Thr1463Met (NM_001425324.1); short protein forms T1537M, T1463M.
Identifiers: ClinVar variation 99306 (VCV000099306.35), dbSNP rs62642575, ClinGen allele CA227222.
Genomic context (GRCh38, chr1:94,024,978, plus strand): 5'-AGCCAGGATAAAAAGCATAAAAGGATTTCTTCTTACCTGCTTCTTATAAGAGCAGGATAC[G>A]TTTTTACCAAGAAGTCGGAGATGTTCCTGTCCGTCAGGTCTTGTAGAATTTCCGTGCTGC-3'
Protein context (NP_000341.2, residues 1527-1547): DRNISDFLVK[Thr1537Met]YPALIRSSLK

ClinVar aggregate classification (germline): Conflicting classifications of pathogenicity. Review status: criteria provided, conflicting classifications (1 of 4 stars). 14 submissions from 14 submitters: Pathogenic (3); Likely pathogenic (7); Uncertain significance (3). 1 of the submissions does not count toward it. Last evaluated 2026-03-31.

Conditions:
ABCA4-related disorder. Also called: ABCA4-related disorders; ABCA4-related condition. Identifiers: MedGen CN239167.
Age related macular degeneration 2. Also called: MACULAR DEGENERATION, SENILE; MACULOPATHY, AGE-RELATED, 2; MACULOPATHY, AGE-RELATED. Identifiers: MedGen C3495438, MONDO:0007932, OMIM 153800.
Severe early-childhood-onset retinal dystrophy (STGD1). Also called: MACULAR DYSTROPHY WITH FLECKS, TYPE 1; STGD; Stargardt macular dystrophy; Juvenile onset macular degeneration; Stargardt disease 1. Identifiers: Orphanet 364055, Orphanet 827, MedGen C1855465, MeSH D000080362, MONDO:0009549, OMIM 248200.
Retinitis pigmentosa 19 (RP19). Also called: ABCA4-Related Retinitis Pigmentosa. Identifiers: Orphanet 791, MedGen C1866422, MONDO:0011137, OMIM 601718.
Cone-rod dystrophy 3 (CORD3). Identifiers: Orphanet 1872, MedGen C1858806, MONDO:0011395, OMIM 604116.
Retinal dystrophy. Also called: Inherited retinal dystrophy. Identifiers: Orphanet 71862, MedGen C0854723, MeSH D058499, MONDO:0019118, HP:0000556.

Allele frequency attached by ClinVar (database versions not stated): gnomAD exomes 0.00003 and 0.00013; gnomAD 0.00006 and 0.00007; TOPMed 0.00008; ExAC 0.00012; ESP Exome Variant Server 0.00023; 1000 Genomes Project 0.00060; 1000 Genomes Project 30x 0.00062.
gnomAD v4.1: 64 of 1,614,118 alleles (0.004%); highest among the groups gnomAD compares: East Asian, 0.069%; no homozygotes.

Submissions 1 to 11 of 14:

PreventionGenetics, part of Exact Sciences
Classification: Uncertain significance for ABCA4-related condition. Last evaluated: 2026-03-31. Review status: criteria provided, single submitter. Criteria: ACMG Guidelines, 2015. Collection method: clinical testing. Allele origin: germline.
Comment: The ABCA4 c.4610C>T variant is predicted to result in the amino acid substitution p.Thr1537Met. This variant has been reported in along with a second ABCA4 variant in an individual with macular dystrophy or Stargardt disease (Table S2, Weisschuh et al. 2020. PubMed ID: 32531858; Table S2A, Cornelis. 2022. PubMed ID: 35120629). This variant has also been reported in individuals with Stargardt disease, cleft lip/palate, or retinal dystrophy (Rivera et al. 2000. PubMed ID: 10958763; Peng. 2016. PubMed ID: 27527345; Table S1, Xu et al. 2020. PubMed ID: 31630094); however, additional information on zygosity and if a second variant was identified was not provided. This variant has also been reported in an individual with macular dystrophy without a second ABCA4 variant identified (Table S2, Weisschuh et al. 2020. PubMed ID: 32531858). Functional studies reveal that this variant affects ATPase function of the protein and mildly reduced expression (Quazi. 2013. PubMed ID: 24097981). This variant is classified as a mild variant according to one study (Table S2A, Cornelis. 2022. PubMed ID: 35120629). This variant was present in 0.15% of alleles in individuals of East Asian descent in gnomAD v2 (as displayed in the table above). However, in gnomAD v4 (available only on GRCh38), this variant is reported in 0.069% of alleles in in individuals of East Asian descent, including zero homozygotes. Although we suspect that this variant may be pathogenic, at this time, the clinical significance of this variant is uncertain due to the absence of conclusive functional and genetic evidence.

Labcorp Genetics (formerly Invitae), Labcorp
Classification: Pathogenic. Last evaluated: 2025-11-02. Review status: criteria provided, single submitter. Criteria: Invitae Variant Classification Sherloc (09022015). Collection method: clinical testing. Allele origin: germline.
Comment: This sequence change replaces threonine, which is neutral and polar, with methionine, which is neutral and non-polar, at codon 1537 of the ABCA4 protein (p.Thr1537Met). This variant is present in population databases (rs62642575, gnomAD 0.1%). This missense change has been observed in individual(s) with clinical features of Stargardt disease (PMID: 28118664, 31630094, 33301772; internal data). ClinVar contains an entry for this variant (Variation ID: 99306). Invitae Evidence Modeling of protein sequence and biophysical properties (such as structural, functional, and spatial information, amino acid conservation, physicochemical variation, residue mobility, and thermodynamic stability) indicates that this missense variant is expected to disrupt ABCA4 protein function with a positive predictive value of 95%. Experimental studies have shown that this missense change affects ABCA4 function (PMID: 24097981). For these reasons, this variant has been classified as Pathogenic.

CeGaT Center for Human Genetics Tuebingen
Classification: Likely pathogenic. Last evaluated: 2025-10-01. Review status: criteria provided, single submitter. Criteria: CeGaT Center For Human Genetics Tuebingen Variant Classification Criteria Version 2. Collection method: clinical testing. Allele origin: germline. Affected: yes. Observed: 1 variant allele.
Comment: ABCA4: PM3:Strong, PM2, PP3, PS3:Supporting

Institute of Human Genetics, University of Leipzig Medical Center
Classification: Pathogenic for Severe early-childhood-onset retinal dystrophy. Last evaluated: 2025-03-04. Review status: criteria provided, single submitter. Criteria: ACMG Guidelines, 2015. Collection method: clinical testing. Allele origin: unknown. Inheritance: Autosomal recessive inheritance. Affected: yes.
Comment: Criteria applied: PM3_VSTR,PS3,PM2,PP3

Dasa
Classification: Likely pathogenic. Last evaluated: 2025-02-20. Review status: criteria provided, single submitter. Criteria: DASA Assertion Criteria. Collection method: clinical testing. Allele origin: germline.
Comment: NM_000350.3(ABCA4):c.4610C>T (p.Thr1537Met) is a missense variant that results in the substitution of threonine with methionine. This variant has been recurrently observed in individuals with ABCA4-related disorders (PMID: 10958763; PMID: 28118664). Functional evidence supports an impact on the gene or gene product. Also, this variant is rare in population databases. Computational evidence supports a deleterious effect. Based on the currently available evidence, this variant is classified as likely pathogenic.

SingHealth Duke-NUS Institute of Precision Medicine
Classification: Likely pathogenic for Severe early-childhood-onset retinal dystrophy. Last evaluated: 2025-02-05. Review status: criteria provided, single submitter. Criteria: PRISM ACMG Classification Criteria. Collection method: clinical testing. Allele origin: germline. Affected: yes.
Comment: Homozygous allele count in gnomAD exomes and genomes is less than 0 (PM2). Variant is a missense variant in a gene with few benign missense variants, and where missense variants are a known disease mechanism (PP2). REVEL score is 0.934 (PP3_str). Study has shown the variant affected protein function (PS3, PMID:4097981)

Fulgent Genetics
Classification: Likely pathogenic for Age related macular degeneration 2; Severe early-childhood-onset retinal dystrophy; Retinitis pigmentosa 19; Cone-rod dystrophy 3. Last evaluated: 2024-03-13. Review status: criteria provided, single submitter. Criteria: ACMG Guidelines, 2015. Collection method: clinical testing. Allele origin: germline.

Blueprint Genetics
Classification: Pathogenic for ABCA4-related disorders. Last evaluated: 2023-08-30. Review status: criteria provided, single submitter. Criteria: ACMG Guidelines, 2015. Collection method: clinical testing. Allele origin: germline. Affected: yes. Observed: 5 variant alleles.

GeneDx
Classification: Uncertain significance. Last evaluated: 2022-06-11. Review status: criteria provided, single submitter. Criteria: GeneDx Variant Classification Process June 2021. Collection method: clinical testing. Allele origin: germline. Affected: yes.
Comment: Identified without a second ABCA4 variant in individuals with retinal dystrophy (Rivera et al., 2000; Weisschuh et al., 2020; Sun et al., 2021; Ng et al., 2022); Identified in the heterozygous state in patients with nonsyndromic orofacial clefting (Peng et al., 2016); Published functional studies suggest a damaging effect with approximately 60% lower ATPase activity and 60% lower phospholipid transport activity compared to wild type (Quazi et al., 2013); In silico analysis supports that this missense variant has a deleterious effect on protein structure/function; This variant is associated with the following publications: (PMID: 24097981, 34426522, 27527345, 31630094, 32531858, 33846575, 33301772, 10958763, 28118664)

3billion
Classification: Likely pathogenic for Severe early-childhood-onset retinal dystrophy. Last evaluated: 2022-05-22. Review status: criteria provided, single submitter. Criteria: ACMG Guidelines, 2015. Collection method: clinical testing. Allele origin: germline. Affected: yes. Observed: 1 heterozygote.
Comment: The variant is observed at an extremely low frequency in the gnomAD v2.1.1 dataset (total allele frequency: 0.012%). Functional studies provide moderate evidence of the variant having a damaging effect on the gene or gene product (PMID:24097981). In silico tool predictions suggest damaging effect of the variant on gene or gene product (REVEL: 0.93; 3Cnet: 0.99). Same nucleotide change resulting in same amino acid change has been previously reported to be associated with ABCA4 related disorder (ClinVar ID: VCV000099306 / PMID: 10958763). Therefore, this variant is classified as likely pathogenic according to the recommendation of ACMG/AMP guideline.

Institute of Human Genetics, Univ. Regensburg, Univ. Regensburg
Classification: Likely pathogenic for Retinal dystrophy. Last evaluated: 2020-01-01. Review status: criteria provided, single submitter. Criteria: ACMG Guidelines, 2015. Collection method: clinical testing. Allele origin: germline. Affected: yes.